The following is an entry in ClinVar:

ClinVar aggregate classification (germline): Uncertain significance (1 of 4 stars; one submission).

Allele frequency attached by ClinVar (database versions not stated): gnomAD exomes below 0.00001; ExAC 0.00001.
gnomAD v4.1: 3 of 1,210,576 alleles (0.00025%); highest among the groups gnomAD compares: Non-Finnish European, 0.00034%; no homozygotes.

Submission:

Labcorp Genetics (formerly Invitae), Labcorp
Classification: Uncertain significance. Last evaluated: 2024-08-05. Review status: criteria provided, single submitter. Criteria: Invitae Variant Classification Sherloc (09022015). Collection method: clinical testing. Allele origin: germline.
Comment: This sequence change replaces histidine, which is basic and polar, with tyrosine, which is neutral and polar, at codon 1646 of the USP9X protein (p.His1646Tyr). This variant is present in population databases (rs767388082, gnomAD 0.001%), including at least one homozygous and/or hemizygous individual. This variant has not been reported in the literature in individuals affected with USP9X-related conditions. An algorithm developed to predict the effect of missense changes on protein structure and function (PolyPhen-2) suggests that this variant is likely to be tolerated. In summary, the available evidence is currently insufficient to determine the role of this variant in disease. Therefore, it has been classified as a Variant of Uncertain Significance.

NM_001039591.3(USP9X):c.4936C>T (p.His1646Tyr)

Gene: USP9X (ubiquitin specific peptidase 9 X-linked; plus strand). Cytogenetic location: Xp11.4.
Variant type: single nucleotide variant.
Coding change: c.4936C>T on transcript NM_001039591.3 (MANE Select); coding-DNA position 4936, C replaced by T.
Protein change: p.His1646Tyr; replaces histidine 1646 with tyrosine.
Molecular consequence: missense variant.
Genome position (GRCh38, 1-based): chrX:41,205,414, C>T. VCF-style: chrX-41205414-C-T. GRCh37 (hg19) VCF-style: chrX-41064667-C-T.
Other names: c.4936C>T, p.His1646Tyr (NM_001039590.3); c.4951C>T, p.His1651Tyr (NM_001410748.1, NM_001410749.1); short protein forms H1651Y, H1646Y.
Identifiers: ClinVar variation 2865485 (VCV002865485.3), dbSNP rs767388082, ClinGen allele CA10388944.